The following is an entry in ClinVar:

ClinVar aggregate classification (germline): Benign/Likely benign. Review status: criteria provided, multiple submitters, no conflicts (2 of 4 stars). 3 submissions from 3 submitters: Benign (1); Likely benign (2). Last evaluated 2026-02-01.

Conditions:
FBN1-related disorder. Also called: FBN1-related disorders.
Familial thoracic aortic aneurysm and aortic dissection (TAAD). Also called: Thoracic aortic aneurysms and dissections. Identifiers: Orphanet 91387, MedGen C4707243, MONDO:0019625.
Marfan syndrome (MFS). Also called: Marfan syndrome, classic; Marfan syndrome type 1; Marfan's syndrome; FBN1-Related Marfan Syndrome; MARFAN SYNDROME, TYPE I. Identifiers: Orphanet 284963, Orphanet 558, MedGen C0024796, MONDO:0007947, OMIM 154700.

Allele frequency attached by ClinVar (database versions not stated): gnomAD exomes 0.00012 and 0.00001; TOPMed 0.00005; gnomAD 0.00001; ExAC 0.00009.
gnomAD v4.1: 16 of 1,613,066 alleles (0.00099%); highest among the groups gnomAD compares: East Asian, 0.036%; no homozygotes.

Submissions (3):

Labcorp Genetics (formerly Invitae), Labcorp
Classification: Likely benign for Marfan syndrome; Familial thoracic aortic aneurysm and aortic dissection. Last evaluated: 2026-02-01. Review status: criteria provided, single submitter. Criteria: Invitae Variant Classification Sherloc (09022015). Collection method: clinical testing. Allele origin: germline.

PreventionGenetics, part of Exact Sciences
Classification: Likely benign for FBN1-related condition. Last evaluated: 2025-04-28. Review status: criteria provided, single submitter. Criteria: ACMG Guidelines, 2015. Collection method: clinical testing. Allele origin: germline.
Comment: This variant is classified as likely benign based on ACMG/AMP sequence variant interpretation guidelines (Richards et al. 2015 PMID: 25741868, with internal and published modifications).

Color Diagnostics, LLC DBA Color Health
Classification: Benign for Familial thoracic aortic aneurysm and aortic dissection. Last evaluated: 2019-01-07. Review status: criteria provided, single submitter. Criteria: ACMG Guidelines, 2015. Collection method: clinical testing. Allele origin: germline.

NM_000138.5(FBN1):c.7330+4A>G

Gene: FBN1 (fibrillin 1; minus strand). Cytogenetic location: 15q21.1.
Variant type: single nucleotide variant.
Coding change: c.7330+4A>G on transcript NM_000138.5 (MANE Select); 4 bases into the intron after coding-DNA position 7330, A replaced by G.
Molecular consequence: intron variant.
Genome position (GRCh38, 1-based): chr15:48,425,735, T>C on the plus strand (A>G on the coding strand, the complement: FBN1 is on the minus strand). VCF-style: chr15-48425735-T-C. GRCh37 (hg19) VCF-style: chr15-48717932-T-C.
Identifiers: ClinVar variation 922905 (VCV000922905.11), dbSNP rs750677373, ClinGen allele CA058284.